The following is an entry in ClinVar:

NM_000821.7(GGCX):c.2038C>T (p.Arg680Ter)

Gene: GGCX (gamma-glutamyl carboxylase; minus strand). Cytogenetic location: 2p11.2.
Variant type: single nucleotide variant.
Coding change: c.2038C>T on transcript NM_000821.7 (MANE Select); coding-DNA position 2038, C replaced by T.
Protein change: p.Arg680Ter; replaces arginine 680 with a stop codon.
Molecular consequence: nonsense.
Genome position (GRCh38, 1-based): chr2:85,550,601, G>A on the plus strand (C>T on the coding strand, the complement: GGCX is on the minus strand). VCF-style: chr2-85550601-G-A. GRCh37 (hg19) VCF-style: chr2-85777724-G-A.
Other names: c.1867C>T, p.Arg623Ter (NM_001142269.4); short protein forms R623*, R680*.
Identifiers: ClinVar variation 3004458 (VCV003004458.3), dbSNP rs1691895200, ClinGen allele CA347482623.
Genomic context (GRCh38, chr2:85,550,601, plus strand): 5'-TGTTGTGAACTTACCTGCGGCGAAAGACATAGAGCTTTCGCAACAAGAAGCGGAAGAATC[G>A]CTCATGGAAAGGAGTATTTCGCCGGCGTTCAATCTCCTGGAGCCTTTGTTGGCGTCTAAG-3'

ClinVar aggregate classification (germline): Pathogenic (1 of 4 stars; one submission).

Allele frequency attached by ClinVar (database versions not stated): gnomAD 0.00001; gnomAD exomes 0.00001.

Submission:

Labcorp Genetics (formerly Invitae), Labcorp
Classification: Pathogenic. Last evaluated: 2024-01-20. Review status: criteria provided, single submitter. Criteria: Invitae Variant Classification Sherloc (09022015). Collection method: clinical testing. Allele origin: germline.
Comment: This sequence change creates a premature translational stop signal (p.Arg680*) in the GGCX gene. It is expected to result in an absent or disrupted protein product. Loss-of-function variants in GGCX are known to be pathogenic (PMID: 17110937, 17327402, 24520408). This variant is not present in population databases (gnomAD no frequency). This variant has not been reported in the literature in individuals affected with GGCX-related conditions. For these reasons, this variant has been classified as Pathogenic.

Literature cited by the submitters: PubMed 17110937; PubMed 17327402; PubMed 24520408.